The following is an entry in ClinVar:

ClinVar aggregate classification (germline): Uncertain significance (1 of 4 stars; one submission).

Conditions:
Inborn genetic diseases. Identifiers: MedGen C0950123, MeSH D030342.

gnomAD v4.1: 3 of 1,613,798 alleles (0.00019%); highest among the groups gnomAD compares: Non-Finnish European, 0.00025%; no homozygotes.

Submission:

Ambry Genetics
Classification: Uncertain significance for Inborn genetic diseases. Last evaluated: 2025-04-16. Review status: criteria provided, single submitter. Criteria: Ambry Variant Classification Scheme 2023. Collection method: clinical testing. Allele origin: germline.
Comment: The p.K56E variant (also known as c.166A>G), located in coding exon 3 of the DDX41 gene, results from an A to G substitution at nucleotide position 166. The lysine at codon 56 is replaced by glutamic acid, an amino acid with similar properties. This amino acid position is highly conserved in available vertebrate species. In addition, this alteration is predicted to be tolerated by in silico analysis. Based on the available evidence, the clinical significance of this variant remains unclear.

NM_016222.4(DDX41):c.166A>G (p.Lys56Glu)

Gene: DDX41 (DEAD-box helicase 41; minus strand). Cytogenetic location: 5q35.3.
Variant type: single nucleotide variant.
Coding change: c.166A>G on transcript NM_016222.4 (MANE Select); coding-DNA position 166, A replaced by G.
Protein change: p.Lys56Glu; replaces lysine 56 with glutamic acid.
Molecular consequence: missense variant. On other transcripts: 5 prime UTR variant (2).
Genome position (GRCh38, 1-based): chr5:177,516,420, T>C on the plus strand (A>G on the coding strand, the complement: DDX41 is on the minus strand). VCF-style: chr5-177516420-T-C. GRCh37 (hg19) VCF-style: chr5-176943421-T-C.
Other names: c.-213A>G (NM_001321732.2, NM_001321830.2); short protein forms K56E.
Identifiers: ClinVar variation 4010246 (VCV004010246.1).